The following is an entry in ClinVar:

ClinVar aggregate classification (germline): Benign/Likely benign. Review status: criteria provided, multiple submitters, no conflicts (2 of 4 stars). 13 submissions from 13 submitters: Benign (10); Likely benign (1). 2 of the submissions do not count toward it. Last evaluated 2026-01-26.

Conditions:
Ehlers-Danlos syndrome (EDS). Identifiers: Orphanet 98249, MedGen C0013720, MONDO:0020066.
Ehlers-Danlos syndrome, classic type, 1 (EDSCL1). Also called: Ehlers-Danlos syndrome, type 1; Ehlers-Danlos Syndrome, Classic Type, COL5A1-Related; EDS I; EHLERS-DANLOS SYNDROME, GRAVIS TYPE; EHLERS-DANLOS SYNDROME, SEVERE CLASSIC TYPE. Identifiers: MedGen C0268335, MONDO:0019567, OMIM 130000.
Ehlers-Danlos syndrome, classic type, 2 (EDSCL2). Also called: Ehlers-Danlos syndrome type 2 (formerly); Ehlers-Danlos syndrome, type 2; Ehlers-Danlos Syndrome, Classic Type, COL5A2-Related. Identifiers: Orphanet 287, Orphanet 90318, MedGen C0268336, MONDO:0019568, OMIM 130010.
Familial thoracic aortic aneurysm and aortic dissection (TAAD). Also called: Thoracic aortic aneurysms and dissections. Identifiers: Orphanet 91387, MedGen C4707243, MONDO:0019625.

Allele frequency attached by ClinVar (database versions not stated): 1000 Genomes Project 30x 0.00671; ESP Exome Variant Server 0.00853; ExAC 0.00248; gnomAD exomes 0.00097 and 0.00205; TOPMed 0.00794; 1000 Genomes Project 0.00619; gnomAD 0.00715 and 0.00770.
gnomAD v4.1: 2,598 of 1,612,866 alleles (0.16%); highest among the groups gnomAD compares: African/African-American, 2.5%; 28 homozygotes.

Submissions (13):

Labcorp Genetics (formerly Invitae), Labcorp
Classification: Benign for Ehlers-Danlos syndrome, classic type, 1. Last evaluated: 2026-01-26. Review status: criteria provided, single submitter. Criteria: Invitae Variant Classification Sherloc (09022015). Collection method: clinical testing. Allele origin: germline.

Molecular Diagnostic Laboratory for Inherited Cardiovascular Disease, Montreal Heart Institute
Classification: Benign. Last evaluated: 2025-07-24. Review status: criteria provided, single submitter. Criteria: ACMG Guidelines, 2015. Collection method: clinical testing. Allele origin: germline. Affected: no.
Comment: BS1, BP4

Mayo Clinic Laboratories, Mayo Clinic
Classification: Benign. Last evaluated: 2024-11-19. Review status: criteria provided, single submitter. Criteria: ACMG Guidelines, 2015. Collection method: clinical testing. Allele origin: germline. Observed: 20 variant alleles.
Comment: BS1, BS2, BP4, BP7

ARUP Laboratories, Molecular Genetics and Genomics, ARUP Laboratories
Classification: Benign for Ehlers-Danlos syndrome, classic type, 2. Last evaluated: 2024-11-18. Review status: criteria provided, single submitter. Criteria: ARUP Molecular Germline Variant Investigation Process 2024. Collection method: clinical testing. Allele origin: germline.

Women's Health and Genetics/Laboratory Corporation of America, LabCorp
Classification: Benign. Last evaluated: 2023-07-21. Review status: criteria provided, single submitter. Criteria: LabCorp Variant Classification Summary - May 2015. Collection method: clinical testing. Allele origin: germline.

Genome Diagnostics Laboratory, The Hospital for Sick Children
Classification: Benign for Ehlers-Danlos syndrome. Last evaluated: 2022-06-10. Review status: criteria provided, single submitter. Criteria: ACMG Guidelines, 2015. Collection method: clinical testing. Allele origin: germline.

Illumina Laboratory Services, Illumina
Classification: Benign for Ehlers-Danlos syndrome, classic type, 2. Last evaluated: 2018-01-13. Review status: criteria provided, single submitter. Criteria: ICSL Variant Classification Criteria 13 December 2019. Collection method: clinical testing. Allele origin: germline.
Comment: This variant was observed in the ICSL laboratory as part of a predisposition screen in an ostensibly healthy population. It had not been previously curated by ICSL or reported in the Human Gene Mutation Database (HGMD: prior to June 1st, 2018), and was therefore a candidate for classification through an automated scoring system. Utilizing variant allele frequency, disease prevalence and penetrance estimates, and inheritance mode, an automated score was calculated to assess if this variant is too frequent to cause the disease. Based on the score and internal cut-off values, a variant classified as benign is not then subjected to further curation. The score for this variant resulted in a classification of benign for this disease.

Ambry Genetics
Classification: Benign for Familial thoracic aortic aneurysm and aortic dissection. Last evaluated: 2015-08-21. Review status: criteria provided, single submitter. Criteria: Ambry Variant Classification Scheme 2023. Collection method: clinical testing. Allele origin: germline.

GeneDx
Classification: Benign. Last evaluated: 2014-03-10. Review status: criteria provided, single submitter. Criteria: GeneDx Variant Classification (06012015). Collection method: clinical testing. Allele origin: germline. Affected: yes.
Comment: This variant is considered likely benign or benign based on one or more of the following criteria: it is a conservative change, it occurs at a poorly conserved position in the protein, it is predicted to be benign by multiple in silico algorithms, and/or has population frequency not consistent with disease.

Breakthrough Genomics
Classification: Likely benign. Review status: criteria provided, single submitter. Criteria: ACMG Guidelines, 2015. Collection method: not provided. Allele origin: germline. Inheritance: Autosomal dominant inheritance. Affected: yes.

PreventionGenetics, part of Exact Sciences
Classification: Benign. Review status: criteria provided, single submitter. Criteria: ACMG Guidelines, 2015. Collection method: clinical testing. Allele origin: germline.

Genome Diagnostics Laboratory, Amsterdam University Medical Center
Classification: Benign. Review status: no assertion criteria provided. Collection method: clinical testing. Allele origin: germline. Affected: yes. Study: VKGL Data-share Consensus. Not counted in ClinVar's aggregate classification.

Genome Diagnostics Laboratory, University Medical Center Utrecht
Classification: Likely benign. Review status: no assertion criteria provided. Collection method: clinical testing. Allele origin: germline. Affected: yes. Study: VKGL Data-share Consensus. Not counted in ClinVar's aggregate classification.

NM_000393.5(COL5A2):c.975C>T (p.Pro325=)

Gene: COL5A2 (collagen type V alpha 2 chain; minus strand). Cytogenetic location: 2q32.2.
Variant type: single nucleotide variant.
Coding change: c.975C>T on transcript NM_000393.5 (MANE Select); coding-DNA position 975, C replaced by T.
Protein change: p.Pro325=; no amino-acid change (proline 325 retained).
Molecular consequence: synonymous variant.
Genome position (GRCh38, 1-based): chr2:189,079,093, G>A on the plus strand (C>T on the coding strand, the complement: COL5A2 is on the minus strand). VCF-style: chr2-189079093-G-A. GRCh37 (hg19) VCF-style: chr2-189943819-G-A.
Other names: p.P325P:CCC>CCT; p.Pro325=; c.975C>T (NM_000393.4).
Identifiers: ClinVar variation 136932 (VCV000136932.31), dbSNP rs144344474, ClinGen allele CA290360.
Genomic context (GRCh38, chr2:189,079,093, plus strand): 5'-AATTTAAGAAACAAGAAAACGAGCACATACCAGAGGACCCATGGCACCCATTGGACCAGT[G>A]GGGCCAGCTTCACCCTAAAAAAAAATGAGAATACATTACAGTATGAGAAGCCTACAACCG-3'
Protein context (NP_000384.2, residues 315-335): GAPGSKGEAG[Pro325=]TGPMGAMGPL